The following is an entry in ClinVar:

NM_001470.4(GABBR1):c.962C>T (p.Ser321Leu)

Gene: GABBR1 (gamma-aminobutyric acid type B receptor subunit 1; minus strand). Cytogenetic location: 6p22.1.
Variant type: single nucleotide variant.
Coding change: c.962C>T on transcript NM_001470.4 (MANE Select); coding-DNA position 962, C replaced by T.
Protein change: p.Ser321Leu; replaces serine 321 with leucine.
Molecular consequence: missense variant.
Genome position (GRCh38, 1-based): chr6:29,623,306, G>A on the plus strand (C>T on the coding strand, the complement: GABBR1 is on the minus strand). VCF-style: chr6-29623306-G-A. GRCh37 (hg19) VCF-style: chr6-29591083-G-A.
Other names: c.431C>T, p.Ser144Leu (NM_001319053.2); c.611C>T, p.Ser204Leu (NM_021903.3); c.776C>T, p.Ser259Leu (NM_021904.4); short protein forms S144L, S204L, S259L, S321L.
Identifiers: ClinVar variation 4537905 (VCV004537905.1).

ClinVar aggregate classification (germline): Uncertain significance (1 of 4 stars; one submission).

gnomAD v4.1: 1 of 1,612,456 alleles (0.000062%); no homozygotes.

Submission:

GeneDx
Classification: Uncertain significance. Last evaluated: 2025-06-10. Review status: criteria provided, single submitter. Criteria: GeneDx Variant Classification Process June 2021. Collection method: clinical testing. Allele origin: germline. Affected: yes.
Comment: Not observed at significant frequency in large population cohorts (gnomAD); In silico analysis supports that this missense variant has a deleterious effect on protein structure/function; In silico analysis suggests this variant may impact gene splicing. In the absence of RNA/functional studies, the actual effect of this sequence change is unknown.; Has not been previously published as pathogenic or benign to our knowledge